The following is an entry in ClinVar:

NM_003388.5(CLIP2):c.535C>T (p.Pro179Ser)

Gene: CLIP2 (CAP-Gly domain containing linker protein 2; plus strand). Cytogenetic location: 7q11.23.
Variant type: single nucleotide variant.
Coding change: c.535C>T on transcript NM_003388.5 (MANE Select); coding-DNA position 535, C replaced by T.
Protein change: p.Pro179Ser; replaces proline 179 with serine.
Molecular consequence: missense variant.
Genome position (GRCh38, 1-based): chr7:74,338,861, C>T. VCF-style: chr7-74338861-C-T. GRCh37 (hg19) VCF-style: chr7-73753191-C-T.
Other names: c.535C>T, p.Pro179Ser (NM_032421.3); short protein forms P179S.
Identifiers: ClinVar variation 771871 (VCV000771871.29), dbSNP rs61739991, ClinGen allele CA4295471.

ClinVar aggregate classification (germline): Benign/Likely benign. Review status: criteria provided, multiple submitters, no conflicts (2 of 4 stars). 4 submissions from 4 submitters: Benign (3); Likely benign (1). Last evaluated 2026-09-01.

Allele frequency attached by ClinVar (database versions not stated): gnomAD 0.00282 and 0.00319; TOPMed 0.00317; ESP Exome Variant Server 0.00318; gnomAD exomes 0.00420 and 0.00435; ExAC 0.00456; 1000 Genomes Project 0.00459; 1000 Genomes Project 30x 0.00515.

Submissions (4):

CeGaT Center for Human Genetics Tuebingen
Classification: Benign. Last evaluated: 2026-09-01. Review status: criteria provided, single submitter. Criteria: CeGaT Center For Human Genetics Tuebingen Variant Classification Criteria Version 2. Collection method: clinical testing. Allele origin: germline. Affected: yes. Observed: 4 variant alleles.
Comment: CLIP2: BS1, BS2

Genomic Medicine Center of Excellence, King Faisal Specialist Hospital and Research Centre
Classification: Likely benign. Last evaluated: 2025-08-18. Review status: criteria provided, single submitter. Criteria: ACMG Guidelines, 2015. Collection method: clinical testing. Allele origin: germline.

Labcorp Genetics (formerly Invitae), Labcorp
Classification: Benign. Last evaluated: 2018-03-29. Review status: criteria provided, single submitter. Criteria: Invitae Variant Classification Sherloc (09022015). Collection method: clinical testing. Allele origin: germline.

Breakthrough Genomics
Classification: Benign. Review status: criteria provided, single submitter. Criteria: ACMG Guidelines, 2015. Collection method: not provided. Allele origin: germline. Inheritance: Unknown mechanism. Affected: yes.